The following is an entry in ClinVar:

ClinVar aggregate classification (germline): Uncertain significance (1 of 4 stars; one submission).

Allele frequency attached by ClinVar (database versions not stated): gnomAD 0.00001.
gnomAD v4.1: 1 of 1,613,670 alleles (0.000062%); highest among the groups gnomAD compares: Non-Finnish European, 0.000085%; no homozygotes.

Submission:

Labcorp Genetics (formerly Invitae), Labcorp
Classification: Uncertain significance. Last evaluated: 2022-10-24. Review status: criteria provided, single submitter. Criteria: Invitae Variant Classification Sherloc (09022015). Collection method: clinical testing. Allele origin: germline.
Comment: ClinVar contains an entry for this variant (Variation ID: 1043194). This variant has not been reported in the literature in individuals affected with COL9A1-related conditions. The frequency data for this variant in the population databases is considered unreliable, as metrics indicate poor data quality at this position in the gnomAD database. This sequence change replaces arginine, which is basic and polar, with lysine, which is basic and polar, at codon 386 of the COL9A1 protein (p.Arg386Lys). In summary, the available evidence is currently insufficient to determine the role of this variant in disease. Therefore, it has been classified as a Variant of Uncertain Significance. Advanced modeling of protein sequence and biophysical properties (such as structural, functional, and spatial information, amino acid conservation, physicochemical variation, residue mobility, and thermodynamic stability) performed at Invitae indicates that this missense variant is not expected to disrupt COL9A1 protein function.

NM_001851.6(COL9A1):c.1157G>A (p.Arg386Lys)

Genes: COL9A1 (collagen type IX alpha 1 chain; minus strand), LOC129996692 (ATAC-STARR-seq lymphoblastoid active region 24730; plus strand). Cytogenetic location: 6q13.
Variant type: single nucleotide variant.
Coding change: c.1157G>A on transcript NM_001851.6 (MANE Select); coding-DNA position 1157, G replaced by A.
Protein change: p.Arg386Lys; replaces arginine 386 with lysine.
Molecular consequence: missense variant. On other transcripts: non-coding transcript variant (1).
Genome position (GRCh38, 1-based): chr6:70,270,354, C>T on the plus strand (G>A on the coding strand, the complement: COL9A1 is on the minus strand). VCF-style: chr6-70270354-C-T. GRCh37 (hg19) VCF-style: chr6-70980057-C-T.
Other names: c.428G>A, p.Arg143Lys (NM_001377289.1, NM_001377290.1, NM_078485.4); short protein forms R143K, R386K.
Identifiers: ClinVar variation 1043194 (VCV001043194.9), dbSNP rs1334455354, ClinGen allele CA364681288.